The following is an entry in ClinVar:

ClinVar aggregate classification (germline): Uncertain significance (1 of 4 stars; one submission).

Allele frequency attached by ClinVar (database versions not stated): gnomAD exomes 0.00001; TOPMed 0.00002; gnomAD 0.00003; 1000 Genomes Project 30x 0.00031.
gnomAD v4.1: 32 of 1,613,438 alleles (0.002%); highest among the groups gnomAD compares: East Asian, 0.011%; no homozygotes.

Submission:

Labcorp Genetics (formerly Invitae), Labcorp
Classification: Uncertain significance. Last evaluated: 2025-08-24. Review status: criteria provided, single submitter. Criteria: Invitae Variant Classification Sherloc (09022015). Collection method: clinical testing. Allele origin: germline.
Comment: This sequence change replaces glutamic acid, which is acidic and polar, with lysine, which is basic and polar, at codon 255 of the ROBO1 protein (p.Glu255Lys). This variant is present in population databases (no rsID available, gnomAD 0.01%). This variant has not been reported in the literature in individuals affected with ROBO1-related conditions. ClinVar contains an entry for this variant (Variation ID: 1936323). An algorithm developed to predict the effect of missense changes on protein structure and function (PolyPhen-2) suggests that this variant is likely to be disruptive. In summary, the available evidence is currently insufficient to determine the role of this variant in disease. Therefore, it has been classified as a Variant of Uncertain Significance.

NM_002941.4(ROBO1):c.763G>A (p.Glu255Lys)

Gene: ROBO1 (roundabout guidance receptor 1; minus strand). Cytogenetic location: 3p12.3.
Variant type: single nucleotide variant.
Coding change: c.763G>A on transcript NM_002941.4 (MANE Select); coding-DNA position 763, G replaced by A.
Protein change: p.Glu255Lys; replaces glutamic acid 255 with lysine.
Molecular consequence: missense variant.
Genome position (GRCh38, 1-based): chr3:78,717,778, C>T on the plus strand (G>A on the coding strand, the complement: ROBO1 is on the minus strand). VCF-style: chr3-78717778-C-T. GRCh37 (hg19) VCF-style: chr3-78766928-C-T.
Other names: c.646G>A, p.Glu216Lys (NM_001145844.1, NM_001145845.2, NM_133631.4); short protein forms E255K, E216K.
Identifiers: ClinVar variation 1936323 (VCV001936323.5), dbSNP rs868819268, ClinGen allele CA77549876.